The following is an entry in ClinVar:

ClinVar aggregate classification (germline): Uncertain significance (1 of 4 stars; one submission).

gnomAD v4.1: 1 of 1,606,700 alleles (0.000062%); highest among the groups gnomAD compares: East Asian, 0.0022%; no homozygotes.

Submission:

Ambry Genetics
Classification: Uncertain significance. Last evaluated: 2025-09-04. Review status: criteria provided, single submitter. Criteria: Ambry Variant Classification Scheme 2023. Collection method: clinical testing. Allele origin: germline.
Comment: The p.Q2148K variant (also known as c.6442C>A), located in coding exon 27 of the WNK2 gene, results from a C to A substitution at nucleotide position 6442. The glutamine at codon 2148 is replaced by lysine, an amino acid with similar properties. This amino acid position is conserved. In addition, the in silico prediction for this alteration is inconclusive. Based on the available evidence, the clinical significance of this variant remains unclear.

NM_006648.4(WNK2):c.6442C>A (p.Gln2148Lys)

Gene: WNK2 (WNK lysine deficient protein kinase 2; plus strand). Cytogenetic location: 9q22.31.
Variant type: single nucleotide variant.
Coding change: c.6442C>A on transcript NM_006648.4 (MANE Select); coding-DNA position 6442, C replaced by A.
Protein change: p.Gln2148Lys; replaces glutamine 2148 with lysine.
Molecular consequence: missense variant.
Genome position (GRCh38, 1-based): chr9:93,308,510, C>A. VCF-style: chr9-93308510-C-A. GRCh37 (hg19) VCF-style: chr9-96070792-C-A.
Other names: c.6553C>A, p.Gln2185Lys (NM_001282394.3); short protein forms Q2185K, Q2148K.
Identifiers: ClinVar variation 4201869 (VCV004201869.1).